The following is an entry in ClinVar:

ClinVar aggregate classification (germline): Benign. Review status: criteria provided, single submitter (1 of 4 stars). 2 submissions from 2 submitters: Benign (1). 1 of the submissions does not count toward it. Last evaluated 2019-12-31.

Conditions:
XIRP1-related disorder. Also called: XIRP1-related condition.

Allele frequency attached by ClinVar (database versions not stated): gnomAD exomes 0.00121 and 0.00336; ExAC 0.00419; gnomAD 0.01310 and 0.01401; ESP Exome Variant Server 0.01384; TOPMed 0.01474; 1000 Genomes Project 30x 0.01686; 1000 Genomes Project 0.01757.
gnomAD v4.1: 3,872 of 1,614,180 alleles (0.24%); highest among the groups gnomAD compares: African/African-American, 4.4%; 81 homozygotes.

Submissions (2):

Labcorp Genetics (formerly Invitae), Labcorp
Classification: Benign. Last evaluated: 2019-12-31. Review status: criteria provided, single submitter. Criteria: Invitae Variant Classification Sherloc (09022015). Collection method: clinical testing. Allele origin: germline.

PreventionGenetics, part of Exact Sciences
Classification: Benign for XIRP1-related condition. Last evaluated: 2019-02-19. Review status: no assertion criteria provided. Collection method: clinical testing. Allele origin: germline. Not counted in ClinVar's aggregate classification.
Comment: This variant is classified as benign based on ACMG/AMP sequence variant interpretation guidelines (Richards et al. 2015 PMID: 25741868, with internal and published modifications).

NM_194293.4(XIRP1):c.5170A>G (p.Ile1724Val)

Gene: XIRP1 (xin actin binding repeat containing 1; minus strand). Cytogenetic location: 3p22.2.
Variant type: single nucleotide variant.
Coding change: c.5170A>G on transcript NM_194293.4 (MANE Select); coding-DNA position 5170, A replaced by G.
Protein change: p.Ile1724Val; replaces isoleucine 1724 with valine.
Molecular consequence: missense variant. On other transcripts: 3 prime UTR variant (1).
Genome position (GRCh38, 1-based): chr3:39,184,276, T>C on the plus strand (A>G on the coding strand, the complement: XIRP1 is on the minus strand). VCF-style: chr3-39184276-T-C. GRCh37 (hg19) VCF-style: chr3-39225767-T-C.
Other names: c.*1377A>G (NM_001198621.4); c.1219A>G, p.Ile407Val (NM_001351377.2); short protein forms I407V, I1724V.
Identifiers: ClinVar variation 767894 (VCV000767894.6), dbSNP rs9827576, ClinGen allele CA2325708.
Genomic context (GRCh38, chr3:39,184,276, plus strand): 5'-CTCTGGGCAGGGGACTGGCTGAGGGAGGGGCAGGTTCAGGTTGCACAGAGCACTGGGTGA[T>C]GTCCTTCTTCCCAGTTTTGTCTTGGACACCTTTCTGGTGGAGCAGGGCCTGGCCTATGTC-3'
Protein context (NP_919269.2, residues 1714-1734): GVQDKTGKKD[Ile1724Val]TQCSVQPEPA